The following is an entry in ClinVar:

ClinVar aggregate classification (germline): Uncertain significance. Review status: criteria provided, multiple submitters, no conflicts (2 of 4 stars). 2 submissions from 2 submitters: Uncertain significance (2). Last evaluated 2024-07-27.

Conditions:
Inborn genetic diseases. Identifiers: MedGen C0950123, MeSH D030342.
Cataract 38. Also called: Cataract 38, autosomal recessive; Cataract, autosomal recessive congenital 5. Identifiers: Orphanet 91492, MedGen C3553494, MONDO:0013859, OMIM 614691.
Sengers syndrome. Also called: MITOCHONDRIAL DNA DEPLETION SYNDROME 10 (CARDIOMYOPATHIC TYPE); Cardiomyopathy and cataract. Identifiers: Orphanet 1369, MedGen C1859317, MONDO:0008922, OMIM 212350.

Allele frequency attached by ClinVar (database versions not stated): gnomAD exomes 0.00002 and 0.00003; gnomAD 0.00004 and 0.00007; 1000 Genomes Project 30x 0.00047; 1000 Genomes Project 0.00060; ExAC 0.00002.
gnomAD v4.1: 37 of 1,614,040 alleles (0.0023%); highest among the groups gnomAD compares: East Asian, 0.011%; no homozygotes.

Submissions (2):

Ambry Genetics
Classification: Uncertain significance for Inborn genetic diseases. Last evaluated: 2024-07-27. Review status: criteria provided, single submitter. Criteria: Ambry Variant Classification Scheme 2023. Collection method: clinical testing. Allele origin: germline.

Labcorp Genetics (formerly Invitae), Labcorp
Classification: Uncertain significance for Sengers syndrome; Cataract 38. Last evaluated: 2022-07-21. Review status: criteria provided, single submitter. Criteria: Invitae Variant Classification Sherloc (09022015). Collection method: clinical testing. Allele origin: germline.
Comment: This sequence change replaces asparagine, which is neutral and polar, with serine, which is neutral and polar, at codon 68 of the AGK protein (p.Asn68Ser). This variant is present in population databases (rs565745559, gnomAD 0.01%). This variant has not been reported in the literature in individuals affected with AGK-related conditions. ClinVar contains an entry for this variant (Variation ID: 1513513). Algorithms developed to predict the effect of missense changes on protein structure and function (SIFT, PolyPhen-2, Align-GVGD) all suggest that this variant is likely to be disruptive. Algorithms developed to predict the effect of sequence changes on RNA splicing suggest that this variant may create or strengthen a splice site. In summary, the available evidence is currently insufficient to determine the role of this variant in disease. Therefore, it has been classified as a Variant of Uncertain Significance.

NM_018238.4(AGK):c.203A>G (p.Asn68Ser)

Gene: AGK (acylglycerol kinase; plus strand). Cytogenetic location: 7q34.
Variant type: single nucleotide variant.
Coding change: c.203A>G on transcript NM_018238.4 (MANE Select); coding-DNA position 203, A replaced by G.
Protein change: p.Asn68Ser; replaces asparagine 68 with serine.
Molecular consequence: missense variant.
Genome position (GRCh38, 1-based): chr7:141,596,623, A>G. VCF-style: chr7-141596623-A-G. GRCh37 (hg19) VCF-style: chr7-141296423-A-G.
Other names: c.203A>G, p.Asn68Ser (NM_001364948.3); c.203A>G (NM_018238.3); short protein forms N68S.
Identifiers: ClinVar variation 1513513 (VCV001513513.4), dbSNP rs565745559, ClinGen allele CA4517346.
Genomic context (GRCh38, chr7:141,596,623, plus strand): 5'-TGTTTGGCAATCAACTCATTCCTCCCAATGCACAAGTGAAGAAGGCCACTGTTTTTCTCA[A>G]TCCTGCAGCTTGCAAAGGGTAGTTCCGTTTGTGACTTGTTATATACTTGCTTTTTCTAAG-3'
Protein context (NP_060708.1, residues 58-78): AQVKKATVFL[Asn68Ser]PAACKGKART